The following is an entry in ClinVar:

ClinVar aggregate classification (germline): Uncertain significance. Review status: criteria provided, multiple submitters, no conflicts (2 of 4 stars). 4 submissions from 4 submitters: Uncertain significance (4). Last evaluated 2025-07-22.

Conditions:
Alport syndrome. Also called: Hemorrhagic familial nephritis; Hemorrhagic hereditary nephritis; Congenital hereditary hematuria. Identifiers: Orphanet 63, MedGen C1567741, MONDO:0018965.
Autosomal dominant Alport syndrome (ATS3A). Also called: Renal failure and sensorineural hearing loss; Alport syndrome dominant type; ALPORT SYNDROME 3A, AUTOSOMAL DOMINANT. Identifiers: Orphanet 63, Orphanet 88918, MedGen C5882663, MONDO:0007086, OMIM 104200.

Allele frequency attached by ClinVar (database versions not stated): gnomAD exomes 0.00001 and 0.00002; ExAC 0.00002; TOPMed 0.00002; gnomAD 0.00003.
gnomAD v4.1: 13 of 1,613,978 alleles (0.00081%); highest among the groups gnomAD compares: Admixed American, 0.0067%; no homozygotes.

Submissions (4):

Myriad Genetics, Inc.
Classification: Uncertain significance for Alport syndrome. Last evaluated: 2025-07-22. Review status: criteria provided, single submitter. Criteria: Myriad Autosomal Dominant, Autosomal Recessive and X-Linked Classification Criteria (2023). Collection method: clinical testing. Allele origin: unknown.
Comment: NM_000091.4(COL4A3):c.4717G>A(G1573S) is a missense variant classified as a variant of uncertain significance in the context of Alport syndrome, COL4A3-related. G1573S has been observed in a case with relevant disease (PMID: 35419377). Relevant functional assessments of this variant are not available in the literature. G1573S has been observed in referenced population frequency databases. In summary, there is insufficient evidence to classify NM_000091.4(COL4A3):c.4717G>A(G1573S) as pathogenic or benign. Please note: this variant was assessed in the context of healthy population screening.

Labcorp Genetics (formerly Invitae), Labcorp
Classification: Uncertain significance. Last evaluated: 2025-01-29. Review status: criteria provided, single submitter. Criteria: Invitae Variant Classification Sherloc (09022015). Collection method: clinical testing. Allele origin: germline.
Comment: This sequence change replaces glycine, which is neutral and non-polar, with serine, which is neutral and polar, at codon 1573 of the COL4A3 protein (p.Gly1573Ser). This variant is present in population databases (rs761262391, gnomAD 0.009%). This missense change has been observed in individual(s) with focal segmental glomerulosclerosis (PMID: 31308072). ClinVar contains an entry for this variant (Variation ID: 1342000). Invitae Evidence Modeling of protein sequence and biophysical properties (such as structural, functional, and spatial information, amino acid conservation, physicochemical variation, residue mobility, and thermodynamic stability) indicates that this missense variant is expected to disrupt COL4A3 protein function with a positive predictive value of 95%. In summary, the available evidence is currently insufficient to determine the role of this variant in disease. Therefore, it has been classified as a Variant of Uncertain Significance.

CENTOGENE GmbH and LLC - Guiding Precision Medicine
Classification: Uncertain significance for Autosomal dominant Alport syndrome. Last evaluated: 2022-02-21. Review status: criteria provided, single submitter. Criteria: ACMG Guidelines, 2015. Collection method: clinical testing. Allele origin: germline. Affected: yes.

Blueprint Genetics
Classification: Uncertain significance. Last evaluated: 2020-12-22. Review status: criteria provided, single submitter. Criteria: ACMG Guidelines, 2015. Collection method: clinical testing. Allele origin: germline.

Literature cited by the submitters: PubMed 35419377 (cited by Myriad Genetics, Inc.); PubMed 31308072 (cited by Labcorp Genetics (formerly Invitae), Labcorp).

NM_000091.5(COL4A3):c.4717G>A (p.Gly1573Ser)

Genes: COL4A3 (collagen type IV alpha 3 chain; plus strand), MFF-DT (MFF divergent transcript; minus strand). Cytogenetic location: 2q36.3.
Variant type: single nucleotide variant.
Coding change: c.4717G>A on transcript NM_000091.5 (MANE Select); coding-DNA position 4717, G replaced by A.
Protein change: p.Gly1573Ser; replaces glycine 1573 with serine.
Molecular consequence: missense variant.
Genome position (GRCh38, 1-based): chr2:227,309,280, G>A. VCF-style: chr2-227309280-G-A. GRCh37 (hg19) VCF-style: chr2-228173996-G-A.
Other names: short protein forms G1573S.
Identifiers: ClinVar variation 1342000 (VCV001342000.4), dbSNP rs761262391, ClinGen allele CA2147616.
Genomic context (GRCh38, chr2:227,309,280, plus strand): 5'-GGTCCTGCGATCGCCATAGCCGTTCACAGCCAAACCACTGACATTCCTCCATGTCCTCAC[G>A]GCTGGATTTCTCTCTGGAAAGGATTTTCATTCATCATGGTGAGGAGAAAAGGAACAGGAG-3'
Protein context (NP_000082.2, residues 1563-1583): QTTDIPPCPH[Gly1573Ser]WISLWKGFSF